The following is an entry in ClinVar:

ClinVar aggregate classification (germline): Uncertain significance (1 of 4 stars; one submission).

Submission:

GeneDx
Classification: Uncertain significance. Last evaluated: 2022-12-22. Review status: criteria provided, single submitter. Criteria: GeneDx Variant Classification Process June 2021. Collection method: clinical testing. Allele origin: germline. Affected: yes.
Comment: Not observed at significant frequency in large population cohorts (gnomAD); In silico analysis supports that this missense variant has a deleterious effect on protein structure/function; Has not been previously published as pathogenic or benign to our knowledge

NM_012199.5(AGO1):c.1406C>G (p.Thr469Arg)

Gene: AGO1 (argonaute RISC component 1; plus strand). Cytogenetic location: 1p34.3.
Variant type: single nucleotide variant.
Coding change: c.1406C>G on transcript NM_012199.5 (MANE Select); coding-DNA position 1406, C replaced by G.
Protein change: p.Thr469Arg; replaces threonine 469 with arginine.
Molecular consequence: missense variant.
Genome position (GRCh38, 1-based): chr1:35,906,943, C>G. VCF-style: chr1-35906943-C-G. GRCh37 (hg19) VCF-style: chr1-36372544-C-G.
Other names: c.1406C>G, p.Thr469Arg (NM_001317122.2); c.1181C>G, p.Thr394Arg (NM_001317123.2); short protein forms T394R, T469R.
Identifiers: ClinVar variation 2506695 (VCV002506695.1), dbSNP rs2523887409, ClinGen allele CA339381698.